The following is an entry in ClinVar:

ClinVar aggregate classification (germline): Uncertain significance (1 of 4 stars; one submission).

Conditions:
Autosomal recessive limb-girdle muscular dystrophy type R18 (LGMDR18). Also called: Limb-girdle muscular dystrophy, type 2S; MUSCULAR DYSTROPHY, LIMB-GIRDLE, AUTOSOMAL RECESSIVE 18; Autosomal recessive limb-girdle muscular dystrophy type 2S. Identifiers: Orphanet 369840, MedGen C4517996, MONDO:0014144, OMIM 615356.

Allele frequency attached by ClinVar (database versions not stated): gnomAD exomes 0.00001.
gnomAD v4.1: 3 of 1,613,938 alleles (0.00019%); highest among the groups gnomAD compares: Admixed American, 0.005%; no homozygotes.

Submission:

Labcorp Genetics (formerly Invitae), Labcorp
Classification: Uncertain significance for Autosomal recessive limb-girdle muscular dystrophy type R18. Last evaluated: 2021-08-27. Review status: criteria provided, single submitter. Criteria: Invitae Variant Classification Sherloc (09022015). Collection method: clinical testing. Allele origin: germline.
Comment: This sequence change replaces glutamic acid with valine at codon 761 of the TRAPPC11 protein (p.Glu761Val). The glutamic acid residue is moderately conserved and there is a moderate physicochemical difference between glutamic acid and valine. This variant is not present in population databases (ExAC no frequency). This variant has not been reported in the literature in individuals affected with TRAPPC11-related conditions. Algorithms developed to predict the effect of missense changes on protein structure and function (SIFT, PolyPhen-2, Align-GVGD) all suggest that this variant is likely to be tolerated. Algorithms developed to predict the effect of sequence changes on RNA splicing suggest that this variant may create or strengthen a splice site. In summary, the available evidence is currently insufficient to determine the role of this variant in disease. Therefore, it has been classified as a Variant of Uncertain Significance.

NM_021942.6(TRAPPC11):c.2282A>T (p.Glu761Val)

Genes: TRAPPC11 (trafficking protein particle complex subunit 11; plus strand), LOC126807238 (BRD4-independent group 4 enhancer GRCh37_chr4:184614366-184615565; plus strand). Cytogenetic location: 4q35.1.
Variant type: single nucleotide variant.
Coding change: c.2282A>T on transcript NM_021942.6 (MANE Select); coding-DNA position 2282, A replaced by T.
Protein change: p.Glu761Val; replaces glutamic acid 761 with valine.
Molecular consequence: missense variant.
Genome position (GRCh38, 1-based): chr4:183,693,633, A>T. VCF-style: chr4-183693633-A-T. GRCh37 (hg19) VCF-style: chr4-184614786-A-T.
Other names: c.2282A>T, p.Glu761Val (NM_199053.3); short protein forms E761V.
Identifiers: ClinVar variation 474347 (VCV000474347.7), dbSNP rs1554009994, ClinGen allele CA358871228.